The following is an entry in ClinVar:

NM_012203.2(GRHPR):c.734+1G>A

Gene: GRHPR (glyoxylate and hydroxypyruvate reductase; plus strand). Cytogenetic location: 9p13.2.
Variant type: single nucleotide variant.
Coding change: c.734+1G>A on transcript NM_012203.2 (MANE Select); the canonical splice donor site of the intron after coding-DNA position 734, G replaced by A.
Molecular consequence: splice donor variant.
Genome position (GRCh38, 1-based): chr9:37,430,647, G>A. VCF-style: chr9-37430647-G-A. GRCh37 (hg19) VCF-style: chr9-37430644-G-A.
Identifiers: ClinVar variation 650172 (VCV000650172.28), dbSNP rs148049120, ClinGen allele CA5059183.

ClinVar aggregate classification (germline): Pathogenic/Likely pathogenic. Review status: criteria provided, multiple submitters, no conflicts (2 of 4 stars). 5 submissions from 5 submitters: Pathogenic (2); Likely pathogenic (3). Last evaluated 2026-01-11.

Conditions:
Primary hyperoxaluria, type II (HP2). Also called: GLYCERIC ACIDURIA; GLYOXYLATE REDUCTASE/HYDROXYPYRUVATE REDUCTASE DEFICIENCY; OXALOSIS II; D-GLYCERATE DEHYDROGENASE DEFICIENCY; Primary hyperoxaluria type 2. Identifiers: Orphanet 416, Orphanet 93599, MedGen C0268165, MONDO:0009824, OMIM 260000. Disease mechanism: loss of function.

Allele frequency attached by ClinVar (database versions not stated): ExAC 0.00003; gnomAD exomes 0.00003 and 0.00006; gnomAD 0.00005 and 0.00006; ESP Exome Variant Server 0.00023; TOPMed 0.00002.
gnomAD v4.1: 95 of 1,613,280 alleles (0.0059%); highest among the groups gnomAD compares: African/African-American, 0.019%; no homozygotes.

Submissions (6):

Labcorp Genetics (formerly Invitae), Labcorp
Classification: Pathogenic. Last evaluated: 2026-01-11. Review status: criteria provided, single submitter. Criteria: Invitae Variant Classification Sherloc (09022015). Collection method: clinical testing. Allele origin: germline.
Comment: This sequence change affects a donor splice site in intron 7 of the GRHPR gene. It is expected to disrupt RNA splicing. Variants that disrupt the donor or acceptor splice site typically lead to a loss of protein function (PMID: 16199547), and loss-of-function variants in GRHPR are known to be pathogenic (PMID: 25644115). This variant is present in population databases (rs148049120, gnomAD 0.01%). Disruption of this splice site has been observed in individual(s) with clinical features of GRHPR-related conditions (PMID: 25644115; internal data). In at least one individual the data is consistent with being in trans (on the opposite chromosome) from a pathogenic variant. ClinVar contains an entry for this variant (Variation ID: 650172). Algorithms developed to predict the effect of sequence changes on RNA splicing suggest that this variant may disrupt the consensus splice site. For these reasons, this variant has been classified as Pathogenic.

Natera, Inc.
Classification: Pathogenic for Primary hyperoxaluria type II. Last evaluated: 2025-10-10. Review status: criteria provided, single submitter. Criteria: Natera Variant Classification Schema (03/2026). Collection method: clinical testing. Allele origin: germline.
Comment: The c.734+1G>A variant in GRHPR is a canonical splice donor site variant predicted to affect pre-mRNA splicing, which may result in an abnormal transcript and altered protein product. This variant is expected to result in nonsense mediated decay, truncation, or a dysfunctional protein product. This variant is rare in the general population with a frequency below the threshold expected for the associated phenotype(s). This variant has been observed in one or more individuals affected with the associated recessive disease, as either homozygous or compound heterozygous with a second variant (PMID: 35917078, 25644115). Given the available evidence, this variant is classified as Pathogenic.

Fulgent Genetics
Classification: Likely pathogenic for Primary hyperoxaluria, type II. Last evaluated: 2024-04-30. Review status: criteria provided, single submitter. Criteria: ACMG Guidelines, 2015. Collection method: clinical testing. Allele origin: germline.

Revvity Omics, Revvity
Classification: Likely pathogenic for Primary hyperoxaluria, type II. Last evaluated: 2022-01-26. Review status: criteria provided, single submitter. Criteria: ACMG Guidelines, 2015. Collection method: clinical testing. Allele origin: germline.

Myriad Genetics, Inc.
Classification: Likely pathogenic for Primary hyperoxaluria, type II. Last evaluated: 2021-11-10. Review status: criteria provided, single submitter. Criteria: Myriad Women's Health Autosomal Recessive and X-Linked Classification Criteria (2021). Collection method: clinical testing. Allele origin: unknown.
Comment: NM_012203.1(GRHPR):c.734+1G>A is a canonical splice variant classified as likely pathogenic in the context of primary hyperoxaluria type 2. c.734+1G>A has been observed in cases with relevant disease (PMID: 25644115). Functional assessments of this variant are not available in the literature. c.734+1G>A has been observed in population frequency databases (gnomAD: NFE <0.001%). In summary, NM_012203.1(GRHPR):c.734+1G>A is a canonical splice variant in a gene where loss of function is a known mechanism of disease and is predicted to disrupt protein function. Please note: this variant was assessed in the context of healthy population screening.

Dr. Peter K. Rogan Lab, Western University
No classification provided (evidence only). Condition: Melanoma. Review status: no classification provided. Collection method: in vitro. Allele origin: not applicable. Functional consequence: skipped exon, retained intron. Not counted in ClinVar's aggregate classification.

Literature cited by the submitters: PubMed 16199547 (cited by Labcorp Genetics (formerly Invitae), Labcorp); PubMed 25644115 (cited by 3 submitters); PubMed 35917078 (cited by Natera, Inc.).